The following is an entry in ClinVar:

ClinVar aggregate classification (germline): Likely benign (0 of 4 stars; one submission).

Conditions:
TCN1-related disorder. Also called: TCN1-related condition.

Submission:

PreventionGenetics, part of Exact Sciences
Classification: Likely benign for TCN1-related condition. Last evaluated: 2019-09-17. Review status: no assertion criteria provided. Collection method: clinical testing. Allele origin: germline.
Comment: This variant is classified as likely benign based on ACMG/AMP sequence variant interpretation guidelines (Richards et al. 2015 PMID: 25741868, with internal and published modifications).

NM_001062.4(TCN1):c.498T>C (p.Val166=)

Gene: TCN1 (transcobalamin 1; minus strand). Cytogenetic location: 11q12.1.
Variant type: single nucleotide variant.
Coding change: c.498T>C on transcript NM_001062.4 (MANE Select); coding-DNA position 498, T replaced by C.
Protein change: p.Val166=; no amino-acid change (valine 166 retained).
Molecular consequence: synonymous variant.
Genome position (GRCh38, 1-based): chr11:59,861,585, A>G on the plus strand (T>C on the coding strand, the complement: TCN1 is on the minus strand). VCF-style: chr11-59861585-A-G. GRCh37 (hg19) VCF-style: chr11-59629058-A-G.
Identifiers: ClinVar variation 3040721 (VCV003040721.2), dbSNP rs2495746182, ClinGen allele CA474663331.